The following is an entry in ClinVar:

ClinVar aggregate classification (germline): Benign/Likely benign. Review status: criteria provided, multiple submitters, no conflicts (2 of 4 stars). 4 submissions from 4 submitters: Benign (1); Likely benign (2). 1 of the submissions does not count toward it. Last evaluated 2026-02-03.

Conditions:
Marfan syndrome (MFS). Also called: Marfan syndrome, classic; Marfan syndrome type 1; Marfan's syndrome; MARFAN SYNDROME, TYPE I; FBN1-Related Marfan Syndrome. Identifiers: Orphanet 284963, Orphanet 558, MedGen C0024796, MONDO:0007947, OMIM 154700.
Familial thoracic aortic aneurysm and aortic dissection (TAAD). Also called: Thoracic aortic aneurysms and dissections. Identifiers: Orphanet 91387, MedGen C4707243, MONDO:0019625.

Allele frequency attached by ClinVar (database versions not stated): gnomAD 0.00002 and 0.00009; ExAC 0.00015; gnomAD exomes 0.00011 and 0.00014; TOPMed 0.00003.
gnomAD v4.1: 163 of 1,462,962 alleles (0.011%); highest among the groups gnomAD compares: South Asian, 0.1%; 2 homozygotes.

Submissions (4):

Labcorp Genetics (formerly Invitae), Labcorp
Classification: Benign for Marfan syndrome; Familial thoracic aortic aneurysm and aortic dissection. Last evaluated: 2026-02-03. Review status: criteria provided, single submitter. Criteria: Invitae Variant Classification Sherloc (09022015). Collection method: clinical testing. Allele origin: germline.

Blueprint Genetics
Classification: Likely benign. Last evaluated: 2024-06-27. Review status: criteria provided, single submitter. Criteria: ACMG Guidelines, 2015. Collection method: clinical testing. Allele origin: germline.

GeneDx
Classification: Likely benign. Last evaluated: 2016-11-02. Review status: criteria provided, single submitter. Criteria: GeneDx Variant Classification (06012015). Collection method: clinical testing. Allele origin: germline. Affected: yes.
Comment: This variant is considered likely benign or benign based on one or more of the following criteria: it is a conservative change, it occurs at a poorly conserved position in the protein, it is predicted to be benign by multiple in silico algorithms, and/or has population frequency not consistent with disease.

Cohesion Phenomics
Classification: Likely benign for Marfan syndrome. Last evaluated: 2022-09-23. Review status: no assertion criteria provided. Criteria: ACMG Guidelines, 2015. Collection method: clinical testing. Allele origin: germline. Affected: yes. Not counted in ClinVar's aggregate classification.

NM_000138.5(FBN1):c.5788+19G>A

Gene: FBN1 (fibrillin 1; minus strand). Cytogenetic location: 15q21.1.
Variant type: single nucleotide variant.
Coding change: c.5788+19G>A on transcript NM_000138.5 (MANE Select); 19 bases into the intron after coding-DNA position 5788, G replaced by A.
Molecular consequence: intron variant.
Genome position (GRCh38, 1-based): chr15:48,446,687, C>T on the plus strand (G>A on the coding strand, the complement: FBN1 is on the minus strand). VCF-style: chr15-48446687-C-T. GRCh37 (hg19) VCF-style: chr15-48738884-C-T.
Identifiers: ClinVar variation 381188 (VCV000381188.11), dbSNP rs758996081, ClinGen allele CA055580.